The following is an entry in ClinVar:

ClinVar aggregate classification (germline): Uncertain significance. Review status: criteria provided, multiple submitters, no conflicts (2 of 4 stars). 2 submissions from 2 submitters: Uncertain significance (2). Last evaluated 2026-07-07.

Conditions:
Hereditary nonpolyposis colorectal neoplasms. Identifiers: MedGen C0009405, MeSH D003123.
Hereditary cancer-predisposing syndrome. Also called: Tumor predisposition; Neoplastic Syndromes, Hereditary; Hereditary Cancer Syndrome; Hereditary neoplastic syndrome. Identifiers: Orphanet 140162, MedGen C0027672, MeSH D009386, MONDO:0015356.

Submissions (2):

Ambry Genetics
Classification: Uncertain significance for Hereditary cancer-predisposing syndrome. Last evaluated: 2026-07-07. Review status: criteria provided, single submitter. Criteria: Ambry Variant Classification Scheme 2023. Collection method: clinical testing. Allele origin: germline.
Comment: The p.Q522K variant (also known as c.1564C>A), located in coding exon 4 of the MSH6 gene, results from a C to A substitution at nucleotide position 1564. The glutamine at codon 522 is replaced by lysine, an amino acid with similar properties. This amino acid position is conserved. In addition, this alteration is predicted to be deleterious by in silico analysis. Based on the available evidence, the clinical significance of this variant remains unclear.

Labcorp Genetics (formerly Invitae), Labcorp
Classification: Uncertain significance for Hereditary nonpolyposis colorectal neoplasms. Last evaluated: 2023-10-04. Review status: criteria provided, single submitter. Criteria: Invitae Variant Classification Sherloc (09022015). Collection method: clinical testing. Allele origin: germline.
Comment: This sequence change replaces glutamine, which is neutral and polar, with lysine, which is basic and polar, at codon 522 of the MSH6 protein (p.Gln522Lys). This variant is not present in population databases (gnomAD no frequency). This variant has not been reported in the literature in individuals affected with MSH6-related conditions. ClinVar contains an entry for this variant (Variation ID: 237140). Advanced modeling of protein sequence and biophysical properties (such as structural, functional, and spatial information, amino acid conservation, physicochemical variation, residue mobility, and thermodynamic stability) performed at Invitae indicates that this missense variant is not expected to disrupt MSH6 protein function. In summary, the available evidence is currently insufficient to determine the role of this variant in disease. Therefore, it has been classified as a Variant of Uncertain Significance.

NM_000179.3(MSH6):c.1564C>A (p.Gln522Lys)

Gene: MSH6 (mutS homolog 6; plus strand). Cytogenetic location: 2p16.3.
Variant type: single nucleotide variant.
Coding change: c.1564C>A on transcript NM_000179.3 (MANE Select); coding-DNA position 1564, C replaced by A.
Protein change: p.Gln522Lys; replaces glutamine 522 with lysine.
Molecular consequence: missense variant.
Genome position (GRCh38, 1-based): chr2:47,799,547, C>A. VCF-style: chr2-47799547-C-A. GRCh37 (hg19) VCF-style: chr2-48026686-C-A.
Other names: c.1174C>A, p.Gln392Lys (NM_001281492.2); c.658C>A, p.Gln220Lys (NM_001281493.2, NM_001281494.2); short protein forms Q522K, Q220K, Q392K.
Identifiers: ClinVar variation 237140 (VCV000237140.11), dbSNP rs878853708, ClinGen allele CA10582053.